The following is an entry in ClinVar:

NM_000059.4(BRCA2):c.300A>G (p.Lys100=)

Gene: BRCA2 (BRCA2 DNA repair associated; plus strand). Cytogenetic location: 13q13.1.
Variant type: single nucleotide variant.
Coding change: c.300A>G on transcript NM_000059.4 (MANE Select); coding-DNA position 300, A replaced by G.
Protein change: p.Lys100=; no amino-acid change (lysine 100 retained).
Molecular consequence: synonymous variant.
Genome position (GRCh38, 1-based): chr13:32,319,309, A>G. VCF-style: chr13-32319309-A-G. GRCh37 (hg19) VCF-style: chr13-32893446-A-G.
Identifiers: ClinVar variation 384790 (VCV000384790.6), dbSNP rs1057522051, ClinGen allele CA16606766.

ClinVar aggregate classification (germline): Likely benign. Review status: criteria provided, multiple submitters, no conflicts (2 of 4 stars). 3 submissions from 3 submitters: Likely benign (3). Last evaluated 2025-05-27.

Conditions:
Hereditary cancer-predisposing syndrome. Also called: Hereditary Cancer Syndrome; Hereditary neoplastic syndrome; Neoplastic Syndromes, Hereditary; Tumor predisposition. Identifiers: Orphanet 140162, MedGen C0027672, MeSH D009386, MONDO:0015356.
Hereditary breast ovarian cancer syndrome. Also called: Hereditary breast and ovarian cancer syndrome; Hereditary breast and ovarian cancer; Breast and ovarian cancer; BRCA1- and BRCA2-Associated Hereditary Breast and Ovarian Cancer; Hereditary breast and/or ovarian cancer syndrome; Hereditary breast and ovarian cancer syndrome (HBOC). Identifiers: Orphanet 145, MedGen C0677776, MeSH D061325, MONDO:0003582. Disease mechanism: loss of function.

Allele frequency attached by ClinVar (database versions not stated): gnomAD exomes below 0.00001.
gnomAD v4.1: 1 of 1,613,644 alleles (0.000062%); highest among the groups gnomAD compares: Non-Finnish European, 0.000085%; no homozygotes.

Submissions (3):

Labcorp Genetics (formerly Invitae), Labcorp
Classification: Likely benign for Hereditary breast ovarian cancer syndrome. Last evaluated: 2025-05-27. Review status: criteria provided, single submitter. Criteria: Invitae Variant Classification Sherloc (09022015). Collection method: clinical testing. Allele origin: germline.

Ambry Genetics
Classification: Likely benign for Hereditary cancer-predisposing syndrome. Last evaluated: 2021-01-27. Review status: criteria provided, single submitter. Criteria: Ambry Variant Classification Scheme 2023. Collection method: clinical testing. Allele origin: germline.

GeneDx
Classification: Likely benign. Last evaluated: 2016-03-14. Review status: criteria provided, single submitter. Criteria: GeneDx Variant Classification (06012015). Collection method: clinical testing. Allele origin: germline. Affected: yes.
Comment: This variant is considered likely benign or benign based on one or more of the following criteria: it is a conservative change, it occurs at a poorly conserved position in the protein, it is predicted to be benign by multiple in silico algorithms, and/or has population frequency not consistent with disease.